The following is an entry in ClinVar:

ClinVar aggregate classification (germline): Pathogenic. Review status: criteria provided, multiple submitters, no conflicts (2 of 4 stars). 2 submissions from 2 submitters: Pathogenic (2). Last evaluated 2024-01-13.

Conditions:
Retinal dystrophy. Also called: Inherited retinal dystrophy. Identifiers: Orphanet 71862, MedGen C0854723, MeSH D058499, MONDO:0019118, HP:0000556.

Submissions (2):

Labcorp Genetics (formerly Invitae), Labcorp
Classification: Pathogenic. Last evaluated: 2024-01-13. Review status: criteria provided, single submitter. Criteria: Invitae Variant Classification Sherloc (09022015). Collection method: clinical testing. Allele origin: germline.
Comment: This sequence change affects a donor splice site in intron 7 of the CHM gene. It is expected to disrupt RNA splicing. Variants that disrupt the donor or acceptor splice site typically lead to a loss of protein function (PMID: 16199547), and loss-of-function variants in CHM are known to be pathogenic (PMID: 9067750, 23811034). This variant is not present in population databases (gnomAD no frequency). Disruption of this splice site has been observed in individuals with choroideremia (PMID: 12203991, 25912515). Algorithms developed to predict the effect of sequence changes on RNA splicing suggest that this variant may disrupt the consensus splice site. For these reasons, this variant has been classified as Pathogenic.

Institute of Human Genetics, Univ. Regensburg, Univ. Regensburg
Classification: Pathogenic for Retinal dystrophy. Last evaluated: 2009-01-01. Review status: criteria provided, single submitter. Criteria: ACMG Guidelines, 2015. Collection method: clinical testing. Allele origin: germline. Affected: yes.

Literature cited by the submitters: PubMed 16199547 (cited by Labcorp Genetics (formerly Invitae), Labcorp); PubMed 9067750 (cited by Labcorp Genetics (formerly Invitae), Labcorp); PubMed 23811034 (cited by Labcorp Genetics (formerly Invitae), Labcorp); PubMed 12203991 (cited by Labcorp Genetics (formerly Invitae), Labcorp); PubMed 25912515 (cited by Labcorp Genetics (formerly Invitae), Labcorp and Institute of Human Genetics, Univ. Regensburg, Univ. Regensburg).

NM_000390.4(CHM):c.940+1G>A

Gene: CHM (CHM Rab escort protein; minus strand). Cytogenetic location: Xq21.2.
Variant type: single nucleotide variant.
Coding change: c.940+1G>A on transcript NM_000390.4 (MANE Select); the canonical splice donor site of the intron after coding-DNA position 940, G replaced by A.
Molecular consequence: splice donor variant.
Genome position (GRCh38, 1-based): chrX:85,957,854, C>T on the plus strand (G>A on the coding strand, the complement: CHM is on the minus strand). VCF-style: chrX-85957854-C-T. GRCh37 (hg19) VCF-style: chrX-85212859-C-T.
Other names: c.496+1G>A (NM_001362519.1, NM_001362517.1, NM_001320959.1 and 1 more transcripts).
Identifiers: ClinVar variation 2737269 (VCV002737269.4), dbSNP rs1930082852, ClinGen allele CA413785639.